The following is an entry in ClinVar:

ClinVar aggregate classification (germline): Uncertain significance (1 of 4 stars; one submission).

Conditions:
Hereditary spastic paraplegia 28. Also called: Spastic paraplegia 28, autosomal recessive. Identifiers: Orphanet 101008, MedGen C1836295, MONDO:0012256, OMIM 609340.

Allele frequency attached by ClinVar (database versions not stated): TOPMed below 0.00001.

Submission:

Labcorp Genetics (formerly Invitae), Labcorp
Classification: Uncertain significance for Hereditary spastic paraplegia 28. Last evaluated: 2022-07-10. Review status: criteria provided, single submitter. Criteria: Invitae Variant Classification Sherloc (09022015). Collection method: clinical testing. Allele origin: germline.
Comment: In summary, the available evidence is currently insufficient to determine the role of this variant in disease. Therefore, it has been classified as a Variant of Uncertain Significance. Algorithms developed to predict the effect of missense changes on protein structure and function output the following: SIFT: "Tolerated"; PolyPhen-2: "Benign"; Align-GVGD: "Class C0". The isoleucine amino acid residue is found in multiple mammalian species, which suggests that this missense change does not adversely affect protein function. This variant has not been reported in the literature in individuals affected with DDHD1-related conditions. This variant is not present in population databases (gnomAD no frequency). This sequence change replaces valine, which is neutral and non-polar, with isoleucine, which is neutral and non-polar, at codon 346 of the DDHD1 protein (p.Val346Ile).

NM_001160148.2(DDHD1):c.1015G>A (p.Val339Ile)

Gene: DDHD1 (DDHD domain containing 1; minus strand). Cytogenetic location: 14q22.1.
Variant type: single nucleotide variant.
Coding change: c.1015G>A on transcript NM_001160148.2 (MANE Select); coding-DNA position 1015, G replaced by A.
Protein change: p.Val339Ile; replaces valine 339 with isoleucine.
Molecular consequence: missense variant.
Genome position (GRCh38, 1-based): chr14:53,093,442, C>T on the plus strand (G>A on the coding strand, the complement: DDHD1 is on the minus strand). VCF-style: chr14-53093442-C-T. GRCh37 (hg19) VCF-style: chr14-53560160-C-T.
Other names: c.1036G>A, p.Val346Ile (NM_001160147.2); c.1015G>A, p.Val339Ile (NM_030637.3); short protein forms V339I, V346I.
Identifiers: ClinVar variation 1979351 (VCV001979351.4), dbSNP rs1886607376, ClinGen allele CA389768244.
Genomic context (GRCh38, chr14:53,093,442, plus strand): 5'-GATATACTTCATCCACACTGTGCCAGTCCACATGGTTTCGACTCAACTTGAAACTATGAA[C>T]AGCTATTGCAAAAAGGAAAAGCTAATTTGAAGGTCTCCAAGACAAACTTTATTTGTTTGA-3'
Protein context (NP_001153620.1, residues 329-349): VSKSIDGKDA[Val339Ile]HSFKLSRNHV